The following is an entry in ClinVar:

ClinVar aggregate classification (germline): Uncertain significance (1 of 4 stars; one submission).

Allele frequency attached by ClinVar (database versions not stated): gnomAD exomes 0.00002.
gnomAD v4.1: 22 of 1,613,266 alleles (0.0014%); highest among the groups gnomAD compares: East Asian, 0.0022%; no homozygotes.

Submission:

Women's Health and Genetics/Laboratory Corporation of America, LabCorp
Classification: Uncertain significance. Last evaluated: 2023-06-06. Review status: criteria provided, single submitter. Criteria: LabCorp Variant Classification Summary - May 2015. Collection method: clinical testing. Allele origin: germline.
Comment: Variant summary: OTOF c.3205T>G (p.Phe1069Val) results in a non-conservative amino acid change located in the C2 domain (IPR000008) of the encoded protein sequence. Four of five in-silico tools predict a damaging effect of the variant on protein function. The variant was absent in 250498 control chromosomes. The available data on variant occurrences in the general population are insufficient to allow any conclusion about variant significance. c.3205T>G has been reported in the literature in at least one compound heterozygous individual affected with severe hearing loss (example: Iwasa_2019). These report(s) do not provide unequivocal conclusions about association of the variant with Nonsyndromic Hearing Loss And Deafness, Type 9. To our knowledge, no experimental evidence demonstrating an impact on protein function has been reported. The following publication has been ascertained in the context of this evaluation (PMID: 31095577). No clinical diagnostic laboratories have submitted clinical-significance assessments for this variant to ClinVar after 2014. Based on the evidence outlined above, the variant was classified as uncertain significance.

Literature cited by the submitters: PubMed 31095577.

NM_194248.3(OTOF):c.3205T>G (p.Phe1069Val)

Gene: OTOF (otoferlin; minus strand). Cytogenetic location: 2p23.3.
Variant type: single nucleotide variant.
Coding change: c.3205T>G on transcript NM_194248.3 (MANE Select); coding-DNA position 3205, T replaced by G.
Protein change: p.Phe1069Val; replaces phenylalanine 1069 with valine.
Molecular consequence: missense variant.
Genome position (GRCh38, 1-based): chr2:26,474,596, A>C on the plus strand (T>G on the coding strand, the complement: OTOF is on the minus strand). VCF-style: chr2-26474596-A-C. GRCh37 (hg19) VCF-style: chr2-26697464-A-C.
Other names: c.3205T>G, p.Phe1069Val (NM_001287489.2); c.964T>G, p.Phe322Val (NM_004802.4, NM_194323.3); c.1135T>G, p.Phe379Val (NM_194322.3); short protein forms F1069V, F322V, F379V.
Identifiers: ClinVar variation 2573350 (VCV002573350.1), dbSNP rs1665165550, ClinGen allele CA346108971.